The following is an entry in ClinVar:

NM_003560.4(PLA2G6):c.1890G>C (p.Val630=)

Gene: PLA2G6 (phospholipase A2 group VI; minus strand). Cytogenetic location: 22q13.1.
Variant type: single nucleotide variant.
Coding change: c.1890G>C on transcript NM_003560.4 (MANE Select); coding-DNA position 1890, G replaced by C.
Protein change: p.Val630=; no amino-acid change (valine 630 retained).
Molecular consequence: synonymous variant.
Genome position (GRCh38, 1-based): chr22:38,115,671, C>G on the plus strand (G>C on the coding strand, the complement: PLA2G6 is on the minus strand). VCF-style: chr22-38115671-C-G. GRCh37 (hg19) VCF-style: chr22-38511678-C-G.
Other names: c.1728G>C, p.Val576= (NM_001004426.3, NM_001199562.3, NM_001349865.2 and 1 more transcripts); c.1890G>C, p.Val630= (NM_001349864.2); c.1356G>C, p.Val452= (NM_001349867.2); c.1212G>C, p.Val404= (NM_001349868.2); c.1194G>C, p.Val398= (NM_001349869.2).
Identifiers: ClinVar variation 2653137 (VCV002653137.24), dbSNP rs2087145179, ClinGen allele CA514544250.
Genomic context (GRCh38, chr22:38,115,671, plus strand): 5'-GAAGCGCCCATTGGGTCGGAAGTAAGTAGGAGCTGCCCCGCTGCTTCGGGCCGCCCGCCA[C>G]ACCAGCTGGTCTAGGGGCGGGGAAGGAGGGCGGCCCAGTGGCACAAGGGACTGGCATAAA-3'
Protein context (NP_003551.2, residues 620-640): RPPAQPSDQL[Val630=]WRAARSSGAA

ClinVar aggregate classification (germline): Likely benign (1 of 4 stars; one submission).

Submission:

CeGaT Center for Human Genetics Tuebingen
Classification: Likely benign. Last evaluated: 2026-08-01. Review status: criteria provided, single submitter. Criteria: CeGaT Center For Human Genetics Tuebingen Variant Classification Criteria Version 2. Collection method: clinical testing. Allele origin: germline. Affected: yes. Observed: 3 variant alleles.
Comment: PLA2G6: PM2:Supporting, BP4, BP7